The following is an entry in ClinVar:

NM_003108.4(SOX11):c.1158G>A (p.Ala386=)

Gene: SOX11 (SRY-box transcription factor 11; plus strand). Cytogenetic location: 2p25.2.
Variant type: single nucleotide variant.
Coding change: c.1158G>A on transcript NM_003108.4 (MANE Select); coding-DNA position 1158, G replaced by A.
Protein change: p.Ala386=; no amino-acid change (alanine 386 retained).
Molecular consequence: synonymous variant.
Genome position (GRCh38, 1-based): chr2:5,693,879, G>A. VCF-style: chr2-5693879-G-A. GRCh37 (hg19) VCF-style: chr2-5834011-G-A.
Identifiers: ClinVar variation 751116 (VCV000751116.10), dbSNP rs977939314, ClinGen allele CA42006715.

ClinVar aggregate classification (germline): Likely benign. Review status: criteria provided, multiple submitters, no conflicts (2 of 4 stars). 3 submissions from 3 submitters: Likely benign (2). 1 of the submissions does not count toward it. Last evaluated 2025-07-03.

Conditions:
SOX11-related disorder. Also called: SOX11-related condition.

Allele frequency attached by ClinVar (database versions not stated): gnomAD 0.00006 and 0.00007; TOPMed 0.00012.
gnomAD v4.1: 40 of 1,551,372 alleles (0.0026%); highest among the groups gnomAD compares: Admixed American, 0.02%; no homozygotes.

Submissions (3):

Labcorp Genetics (formerly Invitae), Labcorp
Classification: Likely benign. Last evaluated: 2025-07-03. Review status: criteria provided, single submitter. Criteria: Invitae Variant Classification Sherloc (09022015). Collection method: clinical testing. Allele origin: germline.

Blueprint Genetics
Classification: Likely benign. Last evaluated: 2024-02-15. Review status: criteria provided, single submitter. Criteria: ACMG Guidelines, 2015. Collection method: clinical testing. Allele origin: germline.

PreventionGenetics, part of Exact Sciences
Classification: Likely benign for SOX11-related condition. Last evaluated: 2023-08-03. Review status: no assertion criteria provided. Collection method: clinical testing. Allele origin: germline. Not counted in ClinVar's aggregate classification.
Comment: This variant is classified as likely benign based on ACMG/AMP sequence variant interpretation guidelines (Richards et al. 2015 PMID: 25741868, with internal and published modifications).